The following is an entry in ClinVar:

NM_016327.3(UPB1):c.59C>T (p.Pro20Leu)

Gene: UPB1 (beta-ureidopropionase 1; plus strand). Cytogenetic location: 22q11.23.
Variant type: single nucleotide variant.
Coding change: c.59C>T on transcript NM_016327.3 (MANE Select); coding-DNA position 59, C replaced by T.
Protein change: p.Pro20Leu; replaces proline 20 with leucine.
Molecular consequence: missense variant.
Genome position (GRCh38, 1-based): chr22:24,495,462, C>T. VCF-style: chr22-24495462-C-T. GRCh37 (hg19) VCF-style: chr22-24891430-C-T.
Other names: short protein forms P20L.
Identifiers: ClinVar variation 1461214 (VCV001461214.6), dbSNP rs375863821, ClinGen allele CA10152971.
Genomic context (GRCh38, chr22:24,495,462, plus strand): 5'-CCATGGCGGGCGCTGAGTGGAAGTCGCTGGAGGAATGCTTGGAGAAGCACCTGCCGCTCC[C>T]CGACTTGCAGGAAGTGAAGCGCGTTCTCTATGGCAAGGAACTCAGGTCCGCAGCCAAGAG-3'
Protein context (NP_057411.1, residues 10-30): EECLEKHLPL[Pro20Leu]DLQEVKRVLY

ClinVar aggregate classification (germline): Uncertain significance (1 of 4 stars; one submission).

Allele frequency attached by ClinVar (database versions not stated): gnomAD exomes below 0.00001 and 0.00001; ExAC 0.00001; gnomAD 0.00002 and 0.00003; TOPMed 0.00002.
gnomAD v4.1: 5 of 1,613,958 alleles (0.00031%); highest among the groups gnomAD compares: African/African-American, 0.0067%; no homozygotes.

Submission:

Labcorp Genetics (formerly Invitae), Labcorp
Classification: Uncertain significance. Last evaluated: 2025-02-24. Review status: criteria provided, single submitter. Criteria: Invitae Variant Classification Sherloc (09022015). Collection method: clinical testing. Allele origin: germline.
Comment: This sequence change replaces proline, which is neutral and non-polar, with leucine, which is neutral and non-polar, at codon 20 of the UPB1 protein (p.Pro20Leu). This variant is present in population databases (rs375863821, gnomAD 0.01%). This variant has not been reported in the literature in individuals affected with UPB1-related conditions. ClinVar contains an entry for this variant (Variation ID: 1461214). An algorithm developed to predict the effect of missense changes on protein structure and function outputs the following: PolyPhen-2: "Benign". The leucine amino acid residue is found in multiple mammalian species, which suggests that this missense change does not adversely affect protein function. In summary, the available evidence is currently insufficient to determine the role of this variant in disease. Therefore, it has been classified as a Variant of Uncertain Significance.